The following is an entry in ClinVar:

NM_001127464.1:c.9676G>A

Gene: ZNF469 (zinc finger protein 469; plus strand).
Variant type: single nucleotide variant.
Identifiers: ClinVar variation 4615531 (VCV004615531.1).

ClinVar aggregate classification (germline): Uncertain significance (1 of 4 stars; one submission).

Conditions:
Cardiovascular phenotype. Identifiers: MedGen CN230736.

Submission:

Ambry Genetics
Classification: Uncertain significance for Cardiovascular phenotype. Last evaluated: 2025-12-07. Review status: criteria provided, single submitter. Criteria: Ambry Variant Classification Scheme 2023. Collection method: clinical testing. Allele origin: germline.
Comment: The p.D3226N variant (also known as c.9676G>A), located in coding exon 2 of the ZNF469 gene, results from a G to A substitution at nucleotide position 9676. The aspartic acid at codon 3226 is replaced by asparagine, an amino acid with highly similar properties. This amino acid position is conserved. In addition, this alteration is predicted to be tolerated by in silico analysis. Based on the available evidence, the clinical significance of this variant remains unclear.